The following is an entry in ClinVar:

NM_007294.4(BRCA1):c.1998_2022del (p.Met669fs)

Gene: BRCA1 (BRCA1 DNA repair associated; minus strand). Cytogenetic location: 17q21.31.
Variant type: Deletion.
Coding change: c.1998_2022del on transcript NM_007294.4 (MANE Select); coding-DNA positions 1998 to 2022, 25 bases deleted (ACAACTCATGGAAGGTAAAGAACCT).
Protein change: p.Met669fs; shifts the reading frame from methionine 669.
Molecular consequence: frameshift variant. On other transcripts: intron variant (137).
Genome position (GRCh38, 1-based): chr17:43,093,509-43,093,533, AGGTTCTTTACCTTCCATGAGTTGT deleted on the plus strand (ACAACTCATGGAAGGTAAAGAACCT on the coding strand, the reverse complement: BRCA1 is on the minus strand); deleting any 25 consecutive bases within chr17:43,093,509-43,093,538 gives the same sequence; the c. name uses the placement nearest the transcript's 3' end. VCF-style (leftmost placement, unchanged base first): chr17-43093508-CAGGTTCTTTACCTTCCATGAGTTGT-C. GRCh37 (hg19) VCF-style: chr17-41245525-CAGGTTCTTTACCTTCCATGAGTTGT-C.
Other names: c.1998_2022del25 (NM_007294.3); c.1995_2019del, p.Met668fs (NM_001407611.1, NM_001407612.1, NM_001407613.1 and 22 more transcripts); c.1998_2022del, p.Met669fs (NM_001407616.1, NM_001407617.1, NM_001407618.1 and 30 more transcripts); c.1989_2013del, p.Met666fs (NM_001407646.1, NM_001407647.1); c.1875_1899del, p.Met628fs (NM_001407648.1, NM_001407664.1, NM_001407665.1 and 19 more transcripts); c.1872_1896del, p.Met627fs (NM_001407649.1, NM_001407670.1, NM_001407671.1 and 11 more transcripts); c.1920_1944del, p.Met643fs (NM_001407653.1, NM_001407654.1, NM_001407655.1 and 4 more transcripts); c.1917_1941del, p.Met642fs (NM_001407659.1, NM_001407660.1, NM_001407661.1 and 1 more transcripts); and 41 more; short protein forms M669fs, M622fs, M373fs, M558fs, M602fs, M666fs, M542fs, M581fs.
Identifiers: ClinVar variation 1784081 (VCV001784081.2), dbSNP rs2552195075, ClinGen allele CA1139771854.

ClinVar aggregate classification (germline): Pathogenic (1 of 4 stars; one submission).

Conditions:
Hereditary cancer-predisposing syndrome. Also called: Neoplastic Syndromes, Hereditary; Tumor predisposition; Hereditary Cancer Syndrome; Hereditary neoplastic syndrome. Identifiers: Orphanet 140162, MedGen C0027672, MeSH D009386, MONDO:0015356.

Submission:

Ambry Genetics
Classification: Pathogenic for Hereditary cancer-predisposing syndrome. Last evaluated: 2021-06-23. Review status: criteria provided, single submitter. Criteria: Ambry Variant Classification Scheme 2023. Collection method: clinical testing. Allele origin: germline.
Comment: The c.1998_2022del25 variant, located in coding exon 9 of the BRCA1 gene, results from a deletion of 25 nucleotides at nucleotide positions 1998 to 2022, causing a translational frameshift with a predicted alternate stop codon (p.M669Efs*24). This alteration is expected to result in loss of function by premature protein truncation or nonsense-mediated mRNA decay. As such, this alteration is interpreted as a disease-causing mutation.